The following is an entry in ClinVar:

NM_001844.5(COL2A1):c.821C>T (p.Ala274Val)

Gene: COL2A1 (collagen type II alpha 1 chain; minus strand). Cytogenetic location: 12q13.11.
Variant type: single nucleotide variant.
Coding change: c.821C>T on transcript NM_001844.5 (MANE Select); coding-DNA position 821, C replaced by T.
Protein change: p.Ala274Val; replaces alanine 274 with valine.
Molecular consequence: missense variant.
Genome position (GRCh38, 1-based): chr12:47,994,043, G>A on the plus strand (C>T on the coding strand, the complement: COL2A1 is on the minus strand). VCF-style: chr12-47994043-G-A. GRCh37 (hg19) VCF-style: chr12-48387826-G-A.
Other names: c.614C>T, p.Ala205Val (NM_033150.3); short protein forms A205V, A274V.
Identifiers: ClinVar variation 4281859 (VCV004281859.1).

ClinVar aggregate classification (germline): Uncertain significance (1 of 4 stars; one submission).

gnomAD v4.1: 6 of 1,613,990 alleles (0.00037%); highest among the groups gnomAD compares: Non-Finnish European, 0.00051%; no homozygotes.

Submission:

GeneDx
Classification: Uncertain significance. Last evaluated: 2025-04-08. Review status: criteria provided, single submitter. Criteria: GeneDx Variant Classification Process June 2021. Collection method: clinical testing. Allele origin: germline. Affected: yes.
Comment: Not observed at significant frequency in large population cohorts (gnomAD); In silico analysis supports that this missense variant has a deleterious effect on protein structure/function; Has not been previously published as pathogenic or benign to our knowledge; Also known as p.(A74V); Occurs in the triple helical domain at the X position in the canonical Gly-X-Y repeat; although this variant may have an effect on normal protein folding and function, missense substitution at the X position is not a common mechanism of disease (HGMD)